The following is an entry in ClinVar:

ClinVar aggregate classification (germline): Uncertain significance. Review status: criteria provided, multiple submitters, no conflicts (2 of 4 stars). 2 submissions from 2 submitters: Uncertain significance (2). Last evaluated 2025-12-08.

Allele frequency attached by ClinVar (database versions not stated): ExAC 0.00006; gnomAD exomes 0.00008 and 0.00015; TOPMed 0.00008; gnomAD 0.00011 and 0.00012; ESP Exome Variant Server 0.00015; 1000 Genomes Project 30x 0.00016; 1000 Genomes Project 0.00020.
gnomAD v4.1: 232 of 1,590,642 alleles (0.015%); highest among the groups gnomAD compares: Non-Finnish European, 0.019%; no homozygotes.

Submissions (2):

Labcorp Genetics (formerly Invitae), Labcorp
Classification: Uncertain significance. Last evaluated: 2025-12-08. Review status: criteria provided, single submitter. Criteria: Invitae Variant Classification Sherloc (09022015). Collection method: clinical testing. Allele origin: germline.
Comment: This sequence change replaces isoleucine, which is neutral and non-polar, with threonine, which is neutral and polar, at codon 118 of the CLUAP1 protein (p.Ile118Thr). This variant is present in population databases (rs184112939, gnomAD 0.01%). This variant has not been reported in the literature in individuals affected with CLUAP1-related conditions. ClinVar contains an entry for this variant (Variation ID: 861800). Invitae Evidence Modeling of protein sequence and biophysical properties (such as structural, functional, and spatial information, amino acid conservation, physicochemical variation, residue mobility, and thermodynamic stability) indicates that this missense variant is not expected to disrupt CLUAP1 protein function with a negative predictive value of 80%. In summary, the available evidence is currently insufficient to determine the role of this variant in disease. Therefore, it has been classified as a Variant of Uncertain Significance.

Ambry Genetics
Classification: Uncertain significance. Last evaluated: 2025-10-18. Review status: criteria provided, single submitter. Criteria: Ambry Variant Classification Scheme 2023. Collection method: clinical testing. Allele origin: germline.

NM_015041.3(CLUAP1):c.353T>C (p.Ile118Thr)

Gene: CLUAP1 (clusterin associated protein 1; plus strand). Cytogenetic location: 16p13.3.
Variant type: single nucleotide variant.
Coding change: c.353T>C on transcript NM_015041.3 (MANE Select); coding-DNA position 353, T replaced by C.
Protein change: p.Ile118Thr; replaces isoleucine 118 with threonine.
Molecular consequence: missense variant.
Genome position (GRCh38, 1-based): chr16:3,508,422, T>C. VCF-style: chr16-3508422-T-C. GRCh37 (hg19) VCF-style: chr16-3558422-T-C.
Other names: c.353T>C, p.Ile118Thr (NM_001330454.2); c.353T>C (NM_015041.1); short protein forms I118T.
Identifiers: ClinVar variation 861800 (VCV000861800.10), dbSNP rs184112939, ClinGen allele CA7863691.